The following is an entry in ClinVar:

NM_000057.4(BLM):c.799+4_799+5delinsCA

Gene: BLM (BLM RecQ like helicase; plus strand). Cytogenetic location: 15q26.1.
Variant type: Indel.
Coding change: c.799+4_799+5delinsCA on transcript NM_000057.4 (MANE Select); bases 4 to 5 of the intron after coding-DNA position 799, AC replaced by CA.
Molecular consequence: intron variant.
Genome position (GRCh38, 1-based): chr15:90,750,071-90,750,072, AC replaced by CA. VCF-style: chr15-90750071-AC-CA. GRCh37 (hg19) VCF-style: chr15-91293301-AC-CA.
Other names: c.799+4_799+5delinsCA (NM_001287246.2, NM_001287247.2); c.-493+4_-493+5delinsCA (NM_001287248.2).
Identifiers: ClinVar variation 844168 (VCV000844168.10), dbSNP rs1895641733, ClinGen allele CA916080557.

ClinVar aggregate classification (germline): Uncertain significance. Review status: criteria provided, multiple submitters, no conflicts (2 of 4 stars). 2 submissions from 2 submitters: Uncertain significance (2). Last evaluated 2024-12-10.

Conditions:
Hereditary cancer-predisposing syndrome. Also called: Hereditary Cancer Syndrome; Hereditary neoplastic syndrome; Tumor predisposition; Neoplastic Syndromes, Hereditary. Identifiers: Orphanet 140162, MedGen C0027672, MeSH D009386, MONDO:0015356.
Bloom syndrome (BLM). Also called: Bloom-Torre-Machacek syndrome. Identifiers: Orphanet 125, MedGen C0005859, MONDO:0008876, OMIM 210900.

Submissions (2):

Labcorp Genetics (formerly Invitae), Labcorp
Classification: Uncertain significance for Bloom syndrome. Last evaluated: 2024-12-10. Review status: criteria provided, single submitter. Criteria: Invitae Variant Classification Sherloc (09022015). Collection method: clinical testing. Allele origin: germline.
Comment: This sequence change falls in intron 3 of the BLM gene. It does not directly change the encoded amino acid sequence of the BLM protein. It affects a nucleotide within the consensus splice site. Information on the frequency of this variant in the gnomAD database is not available, as this variant may be reported differently in the database. This variant has not been reported in the literature in individuals affected with BLM-related conditions. ClinVar contains an entry for this variant (Variation ID: 844168). Variants that disrupt the consensus splice site are a relatively common cause of aberrant splicing (PMID: 17576681, 9536098). In summary, the available evidence is currently insufficient to determine the role of this variant in disease. Therefore, it has been classified as a Variant of Uncertain Significance.

Ambry Genetics
Classification: Uncertain significance for Hereditary cancer-predisposing syndrome. Last evaluated: 2022-10-25. Review status: criteria provided, single submitter. Criteria: Ambry Variant Classification Scheme 2023. Collection method: clinical testing. Allele origin: germline.
Comment: The c.799+4_799+5delACinsCA intronic variant, located in intron 2 of the BLM gene, results from a deletion of two nucleotides (AC) and the insertion of two nucleotides (CA) at positions c.799+4 to c.799+5. This nucleotide region is not well conserved in available vertebrate species. In silico splice site analysis predicts that this alteration may weaken the native splice donor site. Since supporting evidence is limited at this time, the clinical significance of this alteration remains unclear.

Literature cited by the submitters: PubMed 17576681 (cited by Labcorp Genetics (formerly Invitae), Labcorp); PubMed 9536098 (cited by Labcorp Genetics (formerly Invitae), Labcorp).